The following is an entry in ClinVar:

ClinVar aggregate classification (germline): Uncertain significance (1 of 4 stars; one submission).

Submission:

GeneDx
Classification: Uncertain significance. Last evaluated: 2023-12-27. Review status: criteria provided, single submitter. Criteria: GeneDx Variant Classification Process June 2021. Collection method: clinical testing. Allele origin: germline. Affected: yes.
Comment: Not observed at significant frequency in large population cohorts (gnomAD); In silico analysis supports that this missense variant does not alter protein structure/function; Has not been previously published as pathogenic or benign to our knowledge

NM_001312909.2(FAM111A):c.1515A>T (p.Lys505Asn)

Gene: FAM111A (FAM111 trypsin like peptidase A; plus strand). Cytogenetic location: 11q12.1.
Variant type: single nucleotide variant.
Coding change: c.1515A>T on transcript NM_001312909.2 (MANE Select); coding-DNA position 1515, A replaced by T.
Protein change: p.Lys505Asn; replaces lysine 505 with asparagine.
Molecular consequence: missense variant.
Genome position (GRCh38, 1-based): chr11:59,153,183, A>T. VCF-style: chr11-59153183-A-T. GRCh37 (hg19) VCF-style: chr11-58920656-A-T.
Other names: c.1515A>T, p.Lys505Asn (NM_001142519.3, NM_001142520.3, NM_001142521.3 and 29 more transcripts); short protein forms K505N.
Identifiers: ClinVar variation 3367256 (VCV003367256.1).
Genomic context (GRCh38, chr11:59,153,183, plus strand): 5'-TGCTGTGATCCCTCAGGGTCAGCGAGCAAAGAAATGTCAGGAACGTGTTCAGTCTAAAAA[A>T]GCAGAAAGTCCAGAGTATGTCCATATGTATACTCAAAGAAGTTTCCAGAAAATAGTTCAC-3'
Protein context (NP_001299838.1, residues 495-515): KKCQERVQSK[Lys505Asn]AESPEYVHMY